The following is an entry in ClinVar:

ClinVar aggregate classification (germline): Uncertain significance. Review status: criteria provided, multiple submitters, no conflicts (2 of 4 stars). 2 submissions from 2 submitters: Uncertain significance (2). Last evaluated 2026-04-30.

Conditions:
Hereditary cancer-predisposing syndrome. Also called: Neoplastic Syndromes, Hereditary; Hereditary Cancer Syndrome; Tumor predisposition; Hereditary neoplastic syndrome. Identifiers: Orphanet 140162, MedGen C0027672, MeSH D009386, MONDO:0015356.

Submissions (2):

Ambry Genetics
Classification: Uncertain significance for Hereditary cancer-predisposing syndrome. Last evaluated: 2026-04-30. Review status: criteria provided, single submitter. Criteria: Ambry Variant Classification Scheme 2023. Collection method: clinical testing. Allele origin: germline.
Comment: The p.W497R variant (also known as c.1489T>C), located in coding exon 13 of the FANCC gene, results from a T to C substitution at nucleotide position 1489. The tryptophan at codon 497 is replaced by arginine, an amino acid with dissimilar properties. This amino acid position is conserved. In addition, this alteration is predicted to be tolerated by in silico analysis. Based on the available evidence, the clinical significance of this variant remains unclear.

GeneDx
Classification: Uncertain significance. Last evaluated: 2013-12-31. Review status: criteria provided, single submitter. Criteria: GeneDx Variant Classification (06012015). Collection method: clinical testing. Allele origin: germline. Affected: yes.
Comment: This variant is denoted FANCC c.1489T>C at the cDNA level, p.Trp497Arg (W497R) at the protein level, and results in the change of a Tryptophan to an Arginine (TGG>CGG). This variant has not, to our knowledge, been published in the literature as pathogenic or benign. FANCC Trp497Arg was not observed in approximately 6,500 individuals of European and African American ancestry in the NHLBI Exome Sequencing Project, indicating it is not a common benign variant in these populations. This variant is a non-conservative substitution in which a neutral non-polar amino acid is replaced with a positive polar one, altering a position that is well conserved throughout evolution and is not located in a known functional domain. In silico analyses are inconsistent with regard to the effect this variant may have on protein structure and function. Based on currently available information, it is unclear whether FANCC Trp497Arg is pathogenic or benign. We consider it to be a variant of uncertain significance. Furthermore, FANCC has been only recently described in association with cancer predisposition and the risks are not well understood.

NM_000136.3(FANCC):c.1489T>C (p.Trp497Arg)

Genes: AOPEP (aminopeptidase O (putative); plus strand), FANCC (FA complementation group C; minus strand). Cytogenetic location: 9q22.32.
Variant type: single nucleotide variant.
Coding change: c.1489T>C on transcript NM_000136.3 (MANE Select); coding-DNA position 1489, T replaced by C.
Protein change: p.Trp497Arg; replaces tryptophan 497 with arginine.
Molecular consequence: missense variant.
Genome position (GRCh38, 1-based): chr9:95,107,110, A>G on the plus strand (T>C on the coding strand, the complement: FANCC is on the minus strand). VCF-style: chr9-95107110-A-G. GRCh37 (hg19) VCF-style: chr9-97869392-A-G.
Other names: p.W497R:TGG>CGG; c.1489T>C, p.Trp497Arg (NM_001243743.2); short protein forms W497R.
Identifiers: ClinVar variation 127533 (VCV000127533.5), dbSNP rs587779900, ClinGen allele CA287190.